The following is an entry in ClinVar:

ClinVar aggregate classification (germline): Pathogenic (1 of 4 stars; one submission).

Submission:

Mayo Clinic Laboratories, Mayo Clinic
Classification: Pathogenic. Last evaluated: 2019-11-18. Review status: criteria provided, single submitter. Criteria: ACMG Guidelines, 2015. Collection method: clinical testing. Allele origin: germline. Observed: 1 variant allele.
Comment: PVS1, PM2, PP4

NM_000368.5(TSC1):c.1965_1984dup (p.Lys662fs)

Gene: TSC1 (TSC complex subunit 1; minus strand). Cytogenetic location: 9q34.13.
Variant type: Duplication.
Coding change: c.1965_1984dup on transcript NM_000368.5 (MANE Select); coding-DNA positions 1965 to 1984, 20 bases duplicated (GGGAGCAGACGCGCACAGCA).
Protein change: p.Lys662fs; shifts the reading frame from lysine 662.
Molecular consequence: frameshift variant.
Genome position (GRCh38, 1-based): chr9:132,905,594-132,905,613, TGCTGTGCGCGTCTGCTCCC duplicated on the plus strand (GGGAGCAGACGCGCACAGCA on the coding strand, the reverse complement: TSC1 is on the minus strand); duplicating any 20 consecutive bases within chr9:132,905,594-132,905,619 gives the same sequence; the c. name uses the placement nearest the transcript's 3' end. VCF-style (leftmost placement, unchanged base first): chr9-132905593-T-TTGCTGTGCGCGTCTGCTCCC. GRCh37 (hg19) VCF-style: chr9-135780980-T-TTGCTGTGCGCGTCTGCTCCC.
Other names: c.1962_1981dup, p.Lys661fs (NM_001162426.2); c.1812_1831dup, p.Lys611fs (NM_001162427.2); c.1602_1621dup, p.Lys541fs (NM_001362177.2); short protein forms K541fs, K611fs, K661fs, K662fs.
Identifiers: ClinVar variation 1163319 (VCV001163319.5), dbSNP rs2131807821, ClinGen allele CA2499219709.